The following is an entry in ClinVar:

NM_001290060.2(SEMA3B):c.810+6G>A

Gene: SEMA3B (semaphorin 3B; plus strand). Cytogenetic location: 3p21.31.
Variant type: single nucleotide variant.
Coding change: c.810+6G>A on transcript NM_001290060.2 (MANE Select); 6 bases into the intron after coding-DNA position 810, G replaced by A.
Molecular consequence: intron variant.
Genome position (GRCh38, 1-based): chr3:50,273,449, G>A. VCF-style: chr3-50273449-G-A. GRCh37 (hg19) VCF-style: chr3-50310880-G-A.
Other names: c.810+6G>A (NM_001435958.1, NM_001435956.1, NM_001435957.1 and 3 more transcripts); c.-217+6G>A (NM_001290062.2); c.-219-86G>A (NM_001290063.2).
Identifiers: ClinVar variation 4993880 (VCV004993880.1).
Genomic context (GRCh38, chr3:50,273,449, plus strand): 5'-GGCGGCGCCGGCACTGGGACGCCTGTCCGTGTCCCGCGTTGGCCAGATCTGCCGGGTGAG[G>A]AGTCCCTGGGCCACACCCGGCGACCCTGCCCCTACCCCTTTGCCTGCCCTGGTCTCGCCC-3'

ClinVar aggregate classification (germline): Likely benign (1 of 4 stars; one submission).

Conditions:
SEMA3B-related disorder. Also called: SEMA3B-related condition.

Submission:

PreventionGenetics, part of Exact Sciences
Classification: Likely benign for SEMA3B-related condition. Last evaluated: 2026-04-21. Review status: criteria provided, single submitter. Criteria: ACMG Guidelines, 2015. Collection method: clinical testing. Allele origin: germline.
Comment: This variant is classified as likely benign based on ACMG/AMP sequence variant interpretation guidelines (Richards et al. 2015 PMID: 25741868, with internal and published modifications).